The following is an entry in ClinVar:

ClinVar aggregate classification (germline): Uncertain significance. Review status: criteria provided, multiple submitters, no conflicts (2 of 4 stars). 2 submissions from 2 submitters: Uncertain significance (2). Last evaluated 2025-02-23.

Conditions:
Autosomal recessive limb-girdle muscular dystrophy type 2J (LGMDR10). Also called: Limb-girdle muscular dystrophy, type 2J; MUSCULAR DYSTROPHY, LIMB-GIRDLE, AUTOSOMAL RECESSIVE 10. Identifiers: Orphanet 140922, MedGen C1837342, MONDO:0012127, OMIM 608807.
Dilated cardiomyopathy 1G (CMD1G). Identifiers: Orphanet 154, MedGen C1858763, MONDO:0011400, OMIM 604145.
Cardiomyopathy (CMYO). Also called: Cardiomyopathies. Identifiers: Orphanet 167848, MedGen C0878544, MONDO:0004994, HP:0001638. Inheritance: Various modes of inheritance.

gnomAD v4.1: 7 of 1,613,846 alleles (0.00043%); highest among the groups gnomAD compares: Non-Finnish European, 0.00059%; no homozygotes.

Submissions (3):

Labcorp Genetics (formerly Invitae), Labcorp
Classification: Uncertain significance for Dilated cardiomyopathy 1G; Autosomal recessive limb-girdle muscular dystrophy type 2J. Last evaluated: 2025-02-23. Review status: criteria provided, single submitter. Criteria: Invitae Variant Classification Sherloc (09022015). Collection method: clinical testing. Allele origin: germline.
Comment: This sequence change replaces glutamic acid, which is acidic and polar, with valine, which is neutral and non-polar, at codon 33660 of the TTN protein (p.Glu33660Val). This variant is present in population databases (no rsID available, gnomAD 0.0009%). This variant has not been reported in the literature in individuals affected with TTN-related conditions. ClinVar contains an entry for this variant (Variation ID: 626643). Experimental studies and prediction algorithms are not available or were not evaluated, and the functional significance of this variant is currently unknown. This variant is located in the M band of TTN (PMID: 25589632). Non-truncating variants in this region may be relevant for neuromuscular disorders, but have not been definitively shown to cause cardiomyopathy (PMID: 23975875). In summary, the available evidence is currently insufficient to determine the role of this variant in disease. Therefore, it has been classified as a Variant of Uncertain Significance.

CHEO Genetics Diagnostic Laboratory, Children's Hospital of Eastern Ontario
Classification: Uncertain significance for Cardiomyopathy. Last evaluated: 2017-06-26. Review status: criteria provided, single submitter. Criteria: ACMG Guidelines, 2015. Collection method: clinical testing. Allele origin: germline. Study: Canadian Open Genetics Repository.

Dr. Peter K. Rogan Lab, Western University
No classification provided (evidence only). Condition: Ovarian serous cystadenocarcinoma. Review status: no classification provided. Collection method: in vitro. Allele origin: not applicable. Functional consequence: retained intron. Not counted in ClinVar's aggregate classification.

Literature cited by the submitters: PubMed 25589632 (cited by Labcorp Genetics (formerly Invitae), Labcorp); PubMed 23975875 (cited by Labcorp Genetics (formerly Invitae), Labcorp).

NM_001267550.2(TTN):c.100979A>T (p.Glu33660Val)

Genes: TTN-AS1 (TTN antisense RNA 1; plus strand), TTN (titin; minus strand). Cytogenetic location: 2q31.2.
Variant type: single nucleotide variant.
Coding change: c.100979A>T on transcript NM_001267550.2 (MANE Select); coding-DNA position 100979, A replaced by T.
Protein change: p.Glu33660Val; replaces glutamic acid 33660 with valine.
Molecular consequence: missense variant.
Genome position (GRCh38, 1-based): chr2:178,535,636, T>A on the plus strand (A>T on the coding strand, the complement: TTN is on the minus strand). VCF-style: chr2-178535636-T-A. GRCh37 (hg19) VCF-style: chr2-179400363-T-A.
Other names: NC_000002.11:g.179400363T>A; c.96056A>T, p.Glu32019Val (NM_001256850.1); c.73784A>T, p.Glu24595Val (NM_003319.4); c.93275A>T, p.Glu31092Val (NM_133378.4); c.74159A>T, p.Glu24720Val (NM_133432.3); c.74360A>T, p.Glu24787Val (NM_133437.4); short protein forms E32019V, E33660V, E24595V, E24787V, E24720V, E31092V.
Identifiers: ClinVar variation 626643 (VCV000626643.4), dbSNP rs1309484886, ClinGen allele CA349422187.